The following is an entry in ClinVar:

NM_004519.4(KCNQ3):c.*7722T>A

Gene: KCNQ3 (potassium voltage-gated channel subfamily Q member 3; minus strand). Cytogenetic location: 8q24.22.
Variant type: single nucleotide variant.
Coding change: c.*7722T>A on transcript NM_004519.4 (MANE Select); 7722 bases downstream of the stop codon, T replaced by A.
Molecular consequence: 3 prime UTR variant.
Genome position (GRCh38, 1-based): chr8:132,121,540, A>T on the plus strand (T>A on the coding strand, the complement: KCNQ3 is on the minus strand). VCF-style: chr8-132121540-A-T. GRCh37 (hg19) VCF-style: chr8-133133787-A-T.
Other names: c.*7722T>A (NM_001204824.2).
Identifiers: ClinVar variation 361747 (VCV000361747.6), dbSNP rs138128512, ClinGen allele CA10626959.

ClinVar aggregate classification (germline): Benign (1 of 4 stars; one submission).

Conditions:
Seizures, benign familial neonatal, 2. Also called: CONVULSIONS, BENIGN FAMILIAL NEONATAL, 2; KCNQ3-Related Self-Limited Familial Neonatal Epilepsy (SLFNE); Benign Neonatal Epilepsy 2; KCNQ3-Related Benign Familial Neonatal Epilepsy; Seizures, benign neonatal, 2. Identifiers: Orphanet 1949, MedGen C1852581, MONDO:0007366, OMIM 121201.

Allele frequency attached by ClinVar (database versions not stated): TOPMed 0.00199; 1000 Genomes Project 0.00100; 1000 Genomes Project 30x 0.00094; gnomAD 0.00213.

Submission:

Illumina Laboratory Services, Illumina
Classification: Benign for Seizures, benign familial neonatal, 2. Last evaluated: 2018-01-13. Review status: criteria provided, single submitter. Criteria: ICSL Variant Classification Criteria 13 December 2019. Collection method: clinical testing. Allele origin: germline.
Comment: This variant was observed in the ICSL laboratory as part of a predisposition screen in an ostensibly healthy population. It had not been previously curated by ICSL or reported in the Human Gene Mutation Database (HGMD: prior to June 1st, 2018), and was therefore a candidate for classification through an automated scoring system. Utilizing variant allele frequency, disease prevalence and penetrance estimates, and inheritance mode, an automated score was calculated to assess if this variant is too frequent to cause the disease. Based on the score and internal cut-off values, a variant classified as benign is not then subjected to further curation. The score for this variant resulted in a classification of benign for this disease.